The following is an entry in ClinVar:

ClinVar aggregate classification (germline): Uncertain significance (1 of 4 stars; one submission).

Conditions:
Hereditary cancer-predisposing syndrome. Also called: Neoplastic Syndromes, Hereditary; Tumor predisposition; Hereditary Cancer Syndrome; Hereditary neoplastic syndrome. Identifiers: Orphanet 140162, MedGen C0027672, MeSH D009386, MONDO:0015356.

Submission:

Ambry Genetics
Classification: Uncertain significance for Hereditary cancer-predisposing syndrome. Last evaluated: 2022-04-11. Review status: criteria provided, single submitter. Criteria: Ambry Variant Classification Scheme 2023. Collection method: clinical testing. Allele origin: germline.
Comment: The p.E1226G variant (also known as c.3677A>G), located in coding exon 20 of the DICER1 gene, results from an A to G substitution at nucleotide position 3677. The glutamic acid at codon 1226 is replaced by glycine, an amino acid with similar properties. This amino acid position is conserved. In addition, the in silico prediction for this alteration is inconclusive. Since supporting evidence is limited at this time, the clinical significance of this alteration remains unclear.

NM_177438.3(DICER1):c.3677A>G (p.Glu1226Gly)

Gene: DICER1 (dicer 1, ribonuclease III; minus strand). Cytogenetic location: 14q32.13.
Variant type: single nucleotide variant.
Coding change: c.3677A>G on transcript NM_177438.3 (MANE Select); coding-DNA position 3677, A replaced by G.
Protein change: p.Glu1226Gly; replaces glutamic acid 1226 with glycine.
Molecular consequence: missense variant. On other transcripts: non-coding transcript variant (6).
Genome position (GRCh38, 1-based): chr14:95,103,719, T>C on the plus strand (A>G on the coding strand, the complement: DICER1 is on the minus strand). VCF-style: chr14-95103719-T-C. GRCh37 (hg19) VCF-style: chr14-95570056-T-C.
Other names: c.3677A>G, p.Glu1226Gly (NM_001195573.1, NM_001271282.3, NM_001291628.2 and 13 more transcripts); c.3395A>G, p.Glu1132Gly (NM_001395686.1); c.3272A>G, p.Glu1091Gly (NM_001395687.1, NM_001395688.1, NM_001395689.1 and 2 more transcripts); c.3110A>G, p.Glu1037Gly (NM_001395691.1); c.1994A>G, p.Glu665Gly (NM_001395697.1); short protein forms E1037G, E1091G, E1226G, E665G, E1132G.
Identifiers: ClinVar variation 1733841 (VCV001733841.2), dbSNP rs779062746, ClinGen allele CA390874395.